The following is an entry in ClinVar:

NM_000263.4(NAGLU):c.531+1G>A

Gene: NAGLU (N-acetyl-alpha-glucosaminidase; plus strand). Cytogenetic location: 17q21.2.
Variant type: single nucleotide variant.
Coding change: c.531+1G>A on transcript NM_000263.4 (MANE Select); the canonical splice donor site of the intron after coding-DNA position 531, G replaced by A.
Molecular consequence: splice donor variant.
Genome position (GRCh38, 1-based): chr17:42,537,546, G>A. VCF-style: chr17-42537546-G-A. GRCh37 (hg19) VCF-style: chr17-40689564-G-A.
Identifiers: ClinVar variation 854524 (VCV000854524.12), dbSNP rs1245939928, ClinGen allele CA399598318.

ClinVar aggregate classification (germline): Pathogenic. Review status: criteria provided, multiple submitters, no conflicts (2 of 4 stars). 2 submissions from 2 submitters: Pathogenic (2). Last evaluated 2025-06-24.

Conditions:
Mucopolysaccharidosis, MPS-III-B (MPS3B). Also called: N-ACETYL-ALPHA-D-GLUCOSAMINIDASE DEFICIENCY; NAGLU DEFICIENCY; SANFILIPPO SYNDROME B; Mucopolysaccharidosis type IIIB (Sanfilippo B); MPS IIIB (Sanfilippo Syndrome Type B); MUCOPOLYSACCHARIDOSIS, TYPE IIIB. Identifiers: Orphanet 79270, MedGen C0086648, MONDO:0009656, OMIM 252920.
Charcot-Marie-Tooth disease axonal type 2V. Also called: CHARCOT-MARIE-TOOTH NEUROPATHY, TYPE 2V; CHARCOT-MARIE-TOOTH DISEASE, AXONAL, AUTOSOMAL DOMINANT, TYPE 2V. Identifiers: Orphanet 447964, MedGen C5569050, MONDO:0014665, OMIM 616491.

Submissions (2):

Labcorp Genetics (formerly Invitae), Labcorp
Classification: Pathogenic for Charcot-Marie-Tooth disease axonal type 2V; Mucopolysaccharidosis, MPS-III-B. Last evaluated: 2025-06-24. Review status: criteria provided, single submitter. Criteria: Invitae Variant Classification Sherloc (09022015). Collection method: clinical testing. Allele origin: germline.
Comment: This sequence change affects a donor splice site in intron 2 of the NAGLU gene. It is expected to disrupt RNA splicing. Variants that disrupt the donor or acceptor splice site typically lead to a loss of protein function (PMID: 16199547), and loss-of-function variants in NAGLU are known to be pathogenic (PMID: 9832037, 10094189, 16151907). This variant is not present in population databases (gnomAD no frequency). Disruption of this splice site has been observed in individual(s) with mucopolysaccharidosis type IIIB (PMID: 21685203). ClinVar contains an entry for this variant (Variation ID: 854524). Algorithms developed to predict the effect of sequence changes on RNA splicing suggest that this variant may disrupt the consensus splice site. For these reasons, this variant has been classified as Pathogenic.

Natera, Inc.
Classification: Pathogenic for Mucopolysaccharidosis type IIIB. Last evaluated: 2025-04-21. Review status: criteria provided, single submitter. Criteria: Natera Variant Classification Schema (03/2026). Collection method: clinical testing. Allele origin: germline.
Comment: The c.531+1G>A variant in NAGLU is a canonical splice donor site variant predicted to affect pre-mRNA splicing, which may result in an abnormal transcript and altered protein product. This variant is expected to result in nonsense mediated decay, truncation, or a dysfunctional protein product. This variant is rare in the general population with a frequency below the threshold expected for the associated phenotype(s). Another variant at this same site results in an alteration predicted to cause a similar molecular effect has been observed in individual(s) with the associated phenotype. Given the available evidence, this variant is classified as Pathogenic.

Literature cited by the submitters: PubMed 16199547 (cited by Labcorp Genetics (formerly Invitae), Labcorp); PubMed 9832037 (cited by Labcorp Genetics (formerly Invitae), Labcorp); PubMed 10094189 (cited by Labcorp Genetics (formerly Invitae), Labcorp); PubMed 16151907 (cited by Labcorp Genetics (formerly Invitae), Labcorp); PubMed 21685203 (cited by Labcorp Genetics (formerly Invitae), Labcorp).